The following is an entry in ClinVar:

NM_001081.4(CUBN):c.2470G>A (p.Glu824Lys)

Gene: CUBN (cubilin; minus strand). Cytogenetic location: 10p13.
Variant type: single nucleotide variant.
Coding change: c.2470G>A on transcript NM_001081.4 (MANE Select); coding-DNA position 2470, G replaced by A.
Protein change: p.Glu824Lys; replaces glutamic acid 824 with lysine.
Molecular consequence: missense variant.
Genome position (GRCh38, 1-based): chr10:17,071,581, C>T on the plus strand (G>A on the coding strand, the complement: CUBN is on the minus strand). VCF-style: chr10-17071581-C-T. GRCh37 (hg19) VCF-style: chr10-17113580-C-T.
Other names: short protein forms E824K.
Identifiers: ClinVar variation 1961197 (VCV001961197.5), dbSNP rs2491987566, ClinGen allele CA376159420.
Genomic context (GRCh38, chr10:17,071,581, plus strand): 5'-ACCTACAGGTTCTTTCTCCAGGATACACGTTAGGAAAAAAAGGCGAGCGAATGACCCCTT[C>T]TCCAGTTAATTCATCCCCGCAAGCTGTAAGCATAAAAATTATAGTAGTGCTTGTCCAGAT-3'
Protein context (NP_001072.2, residues 814-834): QVACGDELTG[Glu824Lys]GVIRSPFFPN

ClinVar aggregate classification (germline): Uncertain significance (1 of 4 stars; one submission).

Conditions:
Imerslund-Grasbeck syndrome. Also called: Megaloblastic anemia due to inborn errors of metabolism; PERNICIOUS ANEMIA, JUVENILE, DUE TO SELECTIVE INTESTINAL MALABSORPTION OF VITAMIN B12, WITH PROTEINURIA; ENTEROCYTE COBALAMIN MALABSORPTION; ENTEROCYTE INTRINSIC FACTOR RECEPTOR, DEFECT OF; Imerslund-Gräsbeck syndrome. Identifiers: Orphanet 35858, MedGen C4551825, MONDO:0009853.

Submission:

Labcorp Genetics (formerly Invitae), Labcorp
Classification: Uncertain significance for Imerslund-Grasbeck syndrome. Last evaluated: 2022-08-22. Review status: criteria provided, single submitter. Criteria: Invitae Variant Classification Sherloc (09022015). Collection method: clinical testing. Allele origin: germline.
Comment: In summary, the available evidence is currently insufficient to determine the role of this variant in disease. Therefore, it has been classified as a Variant of Uncertain Significance. Algorithms developed to predict the effect of missense changes on protein structure and function are either unavailable or do not agree on the potential impact of this missense change (SIFT: "Tolerated"; PolyPhen-2: "Probably Damaging"; Align-GVGD: "Class C0"). This variant has not been reported in the literature in individuals affected with CUBN-related conditions. This variant is not present in population databases (gnomAD no frequency). This sequence change replaces glutamic acid, which is acidic and polar, with lysine, which is basic and polar, at codon 824 of the CUBN protein (p.Glu824Lys).